The following is an entry in ClinVar:

ClinVar aggregate classification (germline): Conflicting classifications of pathogenicity. Review status: criteria provided, conflicting classifications (1 of 4 stars). 2 submissions from 2 submitters: Uncertain significance (1); Likely benign (1). Last evaluated 2025-06-09.

Conditions:
Capillary malformation-arteriovenous malformation syndrome. Also called: Capillary malformation-arteriovenous malformation. Identifiers: Orphanet 137667, MedGen C1842180, MONDO:0012016.
Cardiovascular phenotype. Identifiers: MedGen CN230736.

gnomAD v4.1: 54 of 1,607,032 alleles (0.0034%); highest among the groups gnomAD compares: Non-Finnish European, 0.0042%; no homozygotes.

Submissions (2):

Labcorp Genetics (formerly Invitae), Labcorp
Classification: Uncertain significance for Capillary malformation-arteriovenous malformation syndrome. Last evaluated: 2025-06-09. Review status: criteria provided, single submitter. Criteria: Invitae Variant Classification Sherloc (09022015). Collection method: clinical testing. Allele origin: germline.
Comment: This sequence change replaces proline, which is neutral and non-polar, with leucine, which is neutral and non-polar, at codon 39 of the RASA1 protein (p.Pro39Leu). This variant is present in population databases (rs760851896, gnomAD 0.007%). This variant has not been reported in the literature in individuals affected with RASA1-related conditions. ClinVar contains an entry for this variant (Variation ID: 2918779). An algorithm developed to predict the effect of missense changes on protein structure and function (PolyPhen-2) suggests that this variant is likely to be disruptive. In summary, the available evidence is currently insufficient to determine the role of this variant in disease. Therefore, it has been classified as a Variant of Uncertain Significance.

Ambry Genetics
Classification: Likely benign for Cardiovascular phenotype. Last evaluated: 2024-10-19. Review status: criteria provided, single submitter. Criteria: Ambry Variant Classification Scheme 2023. Collection method: clinical testing. Allele origin: germline.

NM_002890.3(RASA1):c.116C>T (p.Pro39Leu)

Gene: RASA1 (RAS p21 protein activator 1; plus strand). Cytogenetic location: 5q14.3.
Variant type: single nucleotide variant.
Coding change: c.116C>T on transcript NM_002890.3 (MANE Select); coding-DNA position 116, C replaced by T.
Protein change: p.Pro39Leu; replaces proline 39 with leucine.
Molecular consequence: missense variant.
Genome position (GRCh38, 1-based): chr5:87,268,567, C>T. VCF-style: chr5-87268567-C-T. GRCh37 (hg19) VCF-style: chr5-86564384-C-T.
Other names: short protein forms P39L.
Identifiers: ClinVar variation 2918779 (VCV002918779.4), dbSNP rs760851896, ClinGen allele CA3335331.